The following is an entry in ClinVar:

NM_001009944.3(PKD1):c.7078_7081del (p.Ser2360fs)

Gene: PKD1 (polycystin 1, transient receptor potential channel interacting; minus strand). Cytogenetic location: 16p13.3.
Variant type: Deletion.
Coding change: c.7078_7081del on transcript NM_001009944.3 (MANE Select); coding-DNA positions 7078 to 7081, 4 bases deleted (AGTG; older notation c.7078_7081delAGTG).
Protein change: p.Ser2360fs; shifts the reading frame from serine 2360.
Molecular consequence: frameshift variant.
Genome position (GRCh38, 1-based): chr16:2,106,933-2,106,936, CACT deleted on the plus strand (AGTG on the coding strand, the reverse complement: PKD1 is on the minus strand); deleting any 4 consecutive bases within chr16:2,106,933-2,106,937 gives the same sequence; the c. name uses the placement nearest the transcript's 3' end. VCF-style (leftmost placement, unchanged base first): chr16-2106932-CCACT-C. GRCh37 (hg19) VCF-style: chr16-2156933-CCACT-C.
Other names: c.7078_7081del, p.Ser2360fs (NM_000296.4); short protein forms S2360fs.
Identifiers: ClinVar variation 3235199 (VCV003235199.1), dbSNP rs2544785272.

ClinVar aggregate classification (germline): Pathogenic (1 of 4 stars; one submission).

Conditions:
Polycystic kidney disease, adult type (PKD1). Also called: Polycystic Kidney Disease 1, Autosomal Dominant; Polycystic kidney disease 1; Polycystic kidney disease 1, severe; Polycystic Kidney, Autosomal Dominant; POLYCYSTIC KIDNEY DISEASE 1 WITH OR WITHOUT POLYCYSTIC LIVER DISEASE; POLYCYSTIC KIDNEY DISEASE, ADULT, TYPE I. Identifiers: MedGen C3149841, MONDO:0008263, OMIM 173900.

Submission:

MVZ Medizinische Genetik Mainz
Classification: Pathogenic for Polycystic kidney disease, adult type. Last evaluated: 2023-08-15. Review status: criteria provided, single submitter. Criteria: UK Practice Guidelines For Variant Classification V4 01 2020. Collection method: clinical testing. Allele origin: germline. Inheritance: Autosomal dominant inheritance. Affected: yes. Observed: 1 variant allele.
Comment: ACMG Criteria: PVS1,PS1,PM2_SUP,PP4